The following is an entry in ClinVar:

NM_001321967.2(ATAD1):c.1055A>C (p.Gln352Pro)

Gene: ATAD1 (ATPase family AAA domain containing 1; minus strand). Cytogenetic location: 10q23.31.
Variant type: single nucleotide variant.
Coding change: c.1055A>C on transcript NM_001321967.2 (MANE Select); coding-DNA position 1055, A replaced by C.
Protein change: p.Gln352Pro; replaces glutamine 352 with proline.
Molecular consequence: missense variant. On other transcripts: non-coding transcript variant (1).
Genome position (GRCh38, 1-based): chr10:87,754,718, T>G on the plus strand (A>C on the coding strand, the complement: ATAD1 is on the minus strand). VCF-style: chr10-87754718-T-G. GRCh37 (hg19) VCF-style: chr10-89514475-T-G.
Other names: c.965A>C, p.Gln322Pro (NM_001321968.2); c.698A>C, p.Gln233Pro (NM_001321969.2); c.1055A>C, p.Gln352Pro (NM_032810.4); c.1055A>C (NM_032810.2); short protein forms Q233P, Q322P, Q352P.
Identifiers: ClinVar variation 1486458 (VCV001486458.5), dbSNP rs1564735515, ClinGen allele CA377485549.

ClinVar aggregate classification (germline): Uncertain significance. Review status: criteria provided, multiple submitters, no conflicts (2 of 4 stars). 2 submissions from 2 submitters: Uncertain significance (2). Last evaluated 2022-12-20.

Conditions:
Inborn genetic diseases. Identifiers: MedGen C0950123, MeSH D030342.

Submissions (2):

Ambry Genetics
Classification: Uncertain significance for Inborn genetic diseases. Last evaluated: 2022-12-20. Review status: criteria provided, single submitter. Criteria: Ambry Variant Classification Scheme 2023. Collection method: clinical testing. Allele origin: germline.

Labcorp Genetics (formerly Invitae), Labcorp
Classification: Uncertain significance. Last evaluated: 2021-08-27. Review status: criteria provided, single submitter. Criteria: Invitae Variant Classification Sherloc (09022015). Collection method: clinical testing. Allele origin: germline.
Comment: This sequence change replaces glutamine with proline at codon 352 of the ATAD1 protein (p.Gln352Pro). The glutamine residue is moderately conserved and there is a moderate physicochemical difference between glutamine and proline. This variant is not present in population databases (ExAC no frequency). In summary, the available evidence is currently insufficient to determine the role of this variant in disease. Therefore, it has been classified as a Variant of Uncertain Significance. Algorithms developed to predict the effect of missense changes on protein structure and function are either unavailable or do not agree on the potential impact of this missense change (SIFT: "Not Available"; PolyPhen-2: "Benign"; Align-GVGD: "Not Available"). This variant has not been reported in the literature in individuals affected with ATAD1-related conditions.